The following is an entry in ClinVar:

NM_000376.3(VDR):c.*408T>C

Gene: VDR (vitamin D receptor; minus strand). Cytogenetic location: 12q13.11.
Variant type: single nucleotide variant.
Coding change: c.*408T>C on transcript NM_000376.3 (MANE Select); 408 bases downstream of the stop codon, T replaced by C.
Molecular consequence: 3 prime UTR variant.
Genome position (GRCh38, 1-based): chr12:47,844,338, A>G on the plus strand (T>C on the coding strand, the complement: VDR is on the minus strand). VCF-style: chr12-47844338-A-G. GRCh37 (hg19) VCF-style: chr12-48238121-A-G.
Other names: c.*408T>C (NM_001017535.2, NM_001017536.2, NM_001374661.1 and 1 more transcripts); c.*207T>C (NM_001364085.2).
Identifiers: ClinVar variation 308865 (VCV000308865.5), dbSNP rs112308011, ClinGen allele CA10637509.
Genomic context (GRCh38, chr12:47,844,338, plus strand): 5'-CTGTGGGCCGATTATTTATCGTGAGTAGGCAGGAGAGGGAGACCCCACTAGGCGCTGGAC[A>G]AGCGGGGCCTGCAGTGGGGGGAGGTGCAGGTGTCTCTGTCCCTGAGGAATGGATGCATTT-3'

ClinVar aggregate classification (germline): Likely benign (1 of 4 stars; one submission).

Conditions:
Vitamin D-dependent rickets type II with alopecia (VDDR2A). Also called: HYPOCALCEMIC VITAMIN D-RESISTANT RICKETS; Vitamin D-dependent rickets, type 2A; PDDR IIA; PSEUDOVITAMIN D-DEFICIENCY, TYPE IIA; RICKETS, HEREDITARY VITAMIN D-RESISTANT; RICKETS-ALOPECIA SYNDROME. Identifiers: Orphanet 93160, MedGen C0342646, MONDO:0010186, OMIM 277440.

Allele frequency attached by ClinVar (database versions not stated): gnomAD exomes 0.00230; 1000 Genomes Project 30x 0.01515; 1000 Genomes Project 0.01558; gnomAD 0.01783 and 0.01929; TOPMed 0.02013.
gnomAD v4.1: 3,099 of 327,548 alleles (0.95%); highest among the groups gnomAD compares: African/African-American, 6.1%; 104 homozygotes.

Submission:

Illumina Laboratory Services, Illumina
Classification: Likely benign for Vitamin D-dependent rickets type II with alopecia. Last evaluated: 2018-01-12. Review status: criteria provided, single submitter. Criteria: ICSL Variant Classification Criteria 13 December 2019. Collection method: clinical testing. Allele origin: germline.
Comment: This variant was observed in the ICSL laboratory as part of a predisposition screen in an ostensibly healthy population. It had not been previously curated by ICSL or reported in the Human Gene Mutation Database (HGMD: prior to June 1st, 2018), and was therefore a candidate for classification through an automated scoring system. Utilizing variant allele frequency, disease prevalence and penetrance estimates, and inheritance mode, an automated score was calculated to assess if this variant is too frequent to cause the disease. Based on the score and internal cut-off values, a variant classified as likely benign is not then subjected to further curation. The score for this variant resulted in a classification of likely benign for this disease.